The following is an entry in ClinVar:

NM_139281.3(WDR36):c.1717-14_1717-10dup

Gene: WDR36 (WD repeat domain 36; plus strand). Cytogenetic location: 5q22.1.
Variant type: Duplication.
Coding change: c.1717-14_1717-10dup on transcript NM_139281.3 (MANE Select); 14 bases into the intron before coding-DNA position 1717 through 10 bases into the intron before coding-DNA position 1717, 5 bases duplicated (TTTTT; older notation c.1717-14_1717-10dupTTTTT).
Molecular consequence: intron variant.
Genome position (GRCh38, 1-based): chr5:111,113,060-111,113,064, TTTTT duplicated; duplicating any 5 consecutive bases within chr5:111,113,053-111,113,064 gives the same sequence; the c. name uses the placement nearest the transcript's 3' end. VCF-style (leftmost placement, unchanged base first): chr5-111113052-A-ATTTTT. GRCh37 (hg19) VCF-style: chr5-110448751-A-ATTTTT.
Identifiers: ClinVar variation 3059390 (VCV003059390.5), dbSNP rs201180028, ClinGen allele CA124920631.

ClinVar aggregate classification (germline): Likely benign. Review status: criteria provided, multiple submitters, no conflicts (2 of 4 stars). 3 submissions from 3 submitters: Likely benign (2). 1 of the submissions does not count toward it. Last evaluated 2025-08-18.

Conditions:
WDR36-related disorder. Also called: WDR36-related condition.

Submissions (3):

Labcorp Genetics (formerly Invitae), Labcorp
Classification: Likely benign. Last evaluated: 2025-08-18. Review status: criteria provided, single submitter. Criteria: Invitae Variant Classification Sherloc (09022015). Collection method: clinical testing. Allele origin: germline.

Blueprint Genetics
Classification: Likely benign. Last evaluated: 2024-11-20. Review status: criteria provided, single submitter. Criteria: ACMG Guidelines, 2015. Collection method: clinical testing. Allele origin: germline.

PreventionGenetics, part of Exact Sciences
Classification: Likely benign for WDR36-related condition. Last evaluated: 2020-03-02. Review status: no assertion criteria provided. Collection method: clinical testing. Allele origin: germline. Not counted in ClinVar's aggregate classification.
Comment: This variant is classified as likely benign based on ACMG/AMP sequence variant interpretation guidelines (Richards et al. 2015 PMID: 25741868, with internal and published modifications).